The following is an entry in ClinVar:

ClinVar aggregate classification (germline): Uncertain significance (1 of 4 stars; one submission).

Conditions:
Primary dilated cardiomyopathy (DCM). Also called: Dilated Cardiomyopathy. Identifiers: Orphanet 217604, MedGen C0007193, MeSH D002311, MONDO:0005021, HP:0001644. Inheritance: Various modes of inheritance.

Allele frequency attached by ClinVar (database versions not stated): gnomAD exomes below 0.00001; ExAC 0.00001; TOPMed 0.00001.
gnomAD v4.1: 2 of 1,613,410 alleles (0.00012%); highest among the groups gnomAD compares: Admixed American, 0.0033%; no homozygotes.

Submission:

Labcorp Genetics (formerly Invitae), Labcorp
Classification: Uncertain significance for Primary dilated cardiomyopathy. Last evaluated: 2022-07-20. Review status: criteria provided, single submitter. Criteria: Invitae Variant Classification Sherloc (09022015). Collection method: clinical testing. Allele origin: germline.
Comment: In summary, the available evidence is currently insufficient to determine the role of this variant in disease. Therefore, it has been classified as a Variant of Uncertain Significance. Algorithms developed to predict the effect of sequence changes on RNA splicing suggest that this variant may create or strengthen a splice site. This variant has not been reported in the literature in individuals affected with TXNRD2-related conditions. This variant is present in population databases (rs776316388, gnomAD 0.009%). This sequence change falls in intron 13 of the TXNRD2 gene. It does not directly change the encoded amino acid sequence of the TXNRD2 protein.

NM_006440.5(TXNRD2):c.1183-4T>C

Gene: TXNRD2 (thioredoxin reductase 2; minus strand). Cytogenetic location: 22q11.21.
Variant type: single nucleotide variant.
Coding change: c.1183-4T>C on transcript NM_006440.5 (MANE Select); 4 bases into the intron before coding-DNA position 1183, T replaced by C.
Molecular consequence: intron variant.
Genome position (GRCh38, 1-based): chr22:19,880,275, A>G on the plus strand (T>C on the coding strand, the complement: TXNRD2 is on the minus strand). VCF-style: chr22-19880275-A-G. GRCh37 (hg19) VCF-style: chr22-19867798-A-G.
Other names: c.1180-4T>C (NM_001352300.2); c.895-4T>C (NM_001352302.2); c.1093-4T>C (NM_001352301.2).
Identifiers: ClinVar variation 2174260 (VCV002174260.4), dbSNP rs776316388, ClinGen allele CA10103747.